The following is an entry in ClinVar:

ClinVar aggregate classification (germline): Benign. Review status: criteria provided, multiple submitters, no conflicts (2 of 4 stars). 2 submissions from 2 submitters: Benign (2). Last evaluated 2018-06-14.

Allele frequency attached by ClinVar (database versions not stated): 1000 Genomes Project 0.11362; 1000 Genomes Project 30x 0.11836; TOPMed 0.18848; gnomAD 0.19708; ESP Exome Variant Server 0.21875.
gnomAD v4.1: 405,276 of 1,606,490 alleles (25%); highest among the groups gnomAD compares: Non-Finnish European, 29%; 56,291 homozygotes.

Submissions (2):

GeneDx
Classification: Benign. Last evaluated: 2018-06-14. Review status: criteria provided, single submitter. Criteria: GeneDx Variant Classification (06012015). Collection method: clinical testing. Allele origin: germline. Affected: yes.
Comment: This variant is considered likely benign or benign based on one or more of the following criteria: it is a conservative change, it occurs at a poorly conserved position in the protein, it is predicted to be benign by multiple in silico algorithms, and/or has population frequency not consistent with disease.

Breakthrough Genomics
Classification: Benign. Review status: criteria provided, single submitter. Criteria: ACMG Guidelines, 2015. Collection method: not provided. Allele origin: germline. Inheritance: Autosomal recessive inheritance. Affected: yes.

NM_020247.5(COQ8A):c.1660-32C>G

Gene: COQ8A (coenzyme Q8A; plus strand). Cytogenetic location: 1q42.13.
Variant type: single nucleotide variant.
Coding change: c.1660-32C>G on transcript NM_020247.5 (MANE Select); 32 bases into the intron before coding-DNA position 1660, C replaced by G.
Molecular consequence: intron variant.
Genome position (GRCh38, 1-based): chr1:226,986,421, C>G. VCF-style: chr1-226986421-C-G. GRCh37 (hg19) VCF-style: chr1-227174122-C-G.
Identifiers: ClinVar variation 671534 (VCV000671534.2), dbSNP rs41303131, ClinGen allele CA1425619.